The following is an entry in ClinVar:

ClinVar aggregate classification (germline): Uncertain significance (1 of 4 stars; one submission).

Submission:

Labcorp Genetics (formerly Invitae), Labcorp
Classification: Uncertain significance. Last evaluated: 2022-06-21. Review status: criteria provided, single submitter. Criteria: Invitae Variant Classification Sherloc (09022015). Collection method: clinical testing. Allele origin: germline.
Comment: In summary, the available evidence is currently insufficient to determine the role of this variant in disease. Therefore, it has been classified as a Variant of Uncertain Significance. Variants that disrupt the consensus splice site are a relatively common cause of aberrant splicing (PMID: 17576681, 9536098). Algorithms developed to predict the effect of sequence changes on RNA splicing suggest that this variant is not likely to affect RNA splicing. This variant has not been reported in the literature in individuals affected with TNNI3K-related conditions. This variant is not present in population databases (gnomAD no frequency). This sequence change falls in intron 20 of the TNNI3K gene. It does not directly change the encoded amino acid sequence of the TNNI3K protein. It affects a nucleotide within the consensus splice site.

Literature cited by the submitters: PubMed 17576681; PubMed 9536098.

NM_015978.3(TNNI3K):c.2011+5dup

Genes: FPGT-TNNI3K (FPGT-TNNI3K readthrough; plus strand), TNNI3K (TNNI3 interacting kinase; plus strand). Cytogenetic location: 1p31.1.
Variant type: Duplication.
Coding change: c.2011+5dup on transcript NM_015978.3 (MANE Select); 5 bases into the intron after coding-DNA position 2011, one base duplicated (G; older notation c.2011+5dupG).
Molecular consequence: intron variant.
Genome position (GRCh38, 1-based): chr1:74,439,627, G duplicated. VCF-style (leftmost placement, unchanged base first): chr1-74439626-A-AG. GRCh37 (hg19) VCF-style: chr1-74905310-A-AG.
Other names: c.2314+5dup (NM_001112808.3, NM_001199327.2).
Identifiers: ClinVar variation 2007843 (VCV002007843.4), dbSNP rs2524734795, ClinGen allele CA2580063228.